The following is an entry in ClinVar:

NM_000553.6(WRN):c.1822C>G (p.Gln608Glu)

Gene: WRN (WRN RecQ like helicase; plus strand). Cytogenetic location: 8p12.
Variant type: single nucleotide variant.
Coding change: c.1822C>G on transcript NM_000553.6 (MANE Select); coding-DNA position 1822, C replaced by G.
Protein change: p.Gln608Glu; replaces glutamine 608 with glutamic acid.
Molecular consequence: missense variant.
Genome position (GRCh38, 1-based): chr8:31,090,935, C>G. VCF-style: chr8-31090935-C-G. GRCh37 (hg19) VCF-style: chr8-30948451-C-G.
Other names: short protein forms Q608E.
Identifiers: ClinVar variation 3664878 (VCV003664878.2).

ClinVar aggregate classification (germline): Uncertain significance (1 of 4 stars; one submission).

Conditions:
Werner syndrome (WRN). Identifiers: Orphanet 902, MedGen C0043119, MONDO:0010196, OMIM 277700.

Submission:

Labcorp Genetics (formerly Invitae), Labcorp
Classification: Uncertain significance for Werner syndrome. Last evaluated: 2024-05-14. Review status: criteria provided, single submitter. Criteria: Invitae Variant Classification Sherloc (09022015). Collection method: clinical testing. Allele origin: germline.
Comment: This sequence change replaces glutamine, which is neutral and polar, with glutamic acid, which is acidic and polar, at codon 608 of the WRN protein (p.Gln608Glu). This variant is not present in population databases (gnomAD no frequency). This variant has not been reported in the literature in individuals affected with WRN-related conditions. An algorithm developed to predict the effect of missense changes on protein structure and function (PolyPhen-2) suggests that this variant is likely to be disruptive. In summary, the available evidence is currently insufficient to determine the role of this variant in disease. Therefore, it has been classified as a Variant of Uncertain Significance.